The following is an entry in ClinVar:

NM_001854.4(COL11A1):c.837A>C (p.Lys279Asn)

Gene: COL11A1 (collagen type XI alpha 1 chain; minus strand). Cytogenetic location: 1p21.1.
Variant type: single nucleotide variant.
Coding change: c.837A>C on transcript NM_001854.4 (MANE Select); coding-DNA position 837, A replaced by C.
Protein change: p.Lys279Asn; replaces lysine 279 with asparagine.
Molecular consequence: missense variant. On other transcripts: non-coding transcript variant (1), intron variant (2).
Genome position (GRCh38, 1-based): chr1:103,026,276, T>G on the plus strand (A>C on the coding strand, the complement: COL11A1 is on the minus strand). VCF-style: chr1-103026276-T-G. GRCh37 (hg19) VCF-style: chr1-103491832-T-G.
Other names: c.837A>C, p.Lys279Asn (NM_080630.4); c.781-663A>C (NM_001190709.2); c.781-324A>C (NM_080629.3); short protein forms K279N.
Identifiers: ClinVar variation 4084677 (VCV004084677.8).

ClinVar aggregate classification (germline): Uncertain significance (1 of 4 stars; one submission).

Submission:

CeGaT Center for Human Genetics Tuebingen
Classification: Uncertain significance. Last evaluated: 2025-07-01. Review status: criteria provided, single submitter. Criteria: CeGaT Center For Human Genetics Tuebingen Variant Classification Criteria Version 2. Collection method: clinical testing. Allele origin: germline. Affected: yes. Observed: 1 variant allele.
Comment: COL11A1: PM2